The following is an entry in ClinVar:

NM_000501.4(ELN):c.133G>C (p.Gly45Arg)

Gene: ELN (elastin; plus strand). Cytogenetic location: 7q11.23.
Variant type: single nucleotide variant.
Coding change: c.133G>C on transcript NM_000501.4 (MANE Select); coding-DNA position 133, G replaced by C.
Protein change: p.Gly45Arg; replaces glycine 45 with arginine.
Molecular consequence: missense variant.
Genome position (GRCh38, 1-based): chr7:74,035,414, G>C. VCF-style: chr7-74035414-G-C. GRCh37 (hg19) VCF-style: chr7-73449744-G-C.
Other names: c.133G>C, p.Ala45Pro (NM_001081752.3, NM_001278914.2, NM_001278917.2 and 1 more transcripts); c.133G>C, p.Gly45Arg (NM_001081753.3, NM_001081754.3, NM_001081755.3 and 5 more transcripts); short protein forms G45R, A45P.
Identifiers: ClinVar variation 4716646 (VCV004716646.1).

ClinVar aggregate classification (germline): Uncertain significance (1 of 4 stars; one submission).

Conditions:
Supravalvar aortic stenosis (SVAS). Also called: Supravalvar aortic stenosis, Eisenberg type. Identifiers: Orphanet 3193, MedGen C0003499, MONDO:0008504, OMIM 185500, HP:0004381.

Submission:

Labcorp Genetics (formerly Invitae), Labcorp
Classification: Uncertain significance for Supravalvar aortic stenosis. Last evaluated: 2025-05-02. Review status: criteria provided, single submitter. Criteria: Invitae Variant Classification Sherloc (09022015). Collection method: clinical testing. Allele origin: germline.
Comment: This sequence change replaces glycine, which is neutral and non-polar, with arginine, which is basic and polar, at codon 45 of the ELN protein (p.Gly45Arg). This variant also falls at the last nucleotide of exon 2, which is part of the consensus splice site for this exon. This variant is not present in population databases (gnomAD no frequency). This missense change has been observed in individual(s) with supervalvar aortic stenosis (internal data). Experimental studies and prediction algorithms are not available or were not evaluated, and the functional significance of this variant is currently unknown. Variants that disrupt the consensus splice site are a relatively common cause of aberrant splicing (PMID: 17576681, 9536098). Algorithms developed to predict the effect of sequence changes on RNA splicing suggest that this variant may disrupt the consensus splice site. In summary, the available evidence is currently insufficient to determine the role of this variant in disease. Therefore, it has been classified as a Variant of Uncertain Significance.

Literature cited by the submitters: PubMed 17576681; PubMed 9536098.